The following is an entry in ClinVar:

ClinVar aggregate classification (germline): Uncertain significance (1 of 4 stars; one submission).

Conditions:
Hereditary cancer-predisposing syndrome. Also called: Neoplastic Syndromes, Hereditary; Tumor predisposition; Hereditary neoplastic syndrome; Hereditary Cancer Syndrome. Identifiers: Orphanet 140162, MedGen C0027672, MeSH D009386, MONDO:0015356.

Submission:

Ambry Genetics
Classification: Uncertain significance for Hereditary cancer-predisposing syndrome. Last evaluated: 2025-03-12. Review status: criteria provided, single submitter. Criteria: Ambry Variant Classification Scheme 2023. Collection method: clinical testing. Allele origin: germline.
Comment: The p.P915A variant (also known as c.2743C>G), located in coding exon 11 of the MET gene, results from a C to G substitution at nucleotide position 2743. The proline at codon 915 is replaced by alanine, an amino acid with highly similar properties. This amino acid position is highly conserved in available vertebrate species. In addition, this alteration is predicted to be deleterious by in silico analysis. Based on the available evidence, the clinical significance of this variant remains unclear.

NM_000245.4(MET):c.2689C>G (p.Pro897Ala)

Gene: MET (MET proto-oncogene, receptor tyrosine kinase; plus strand). Cytogenetic location: 7q31.2.
Variant type: single nucleotide variant.
Coding change: c.2689C>G on transcript NM_000245.4 (MANE Select); coding-DNA position 2689, C replaced by G.
Protein change: p.Pro897Ala; replaces proline 897 with alanine.
Molecular consequence: missense variant.
Genome position (GRCh38, 1-based): chr7:116,769,750, C>G. VCF-style: chr7-116769750-C-G. GRCh37 (hg19) VCF-style: chr7-116409804-C-G.
Other names: c.2743C>G, p.Pro915Ala (NM_001127500.3); c.2689C>G, p.Pro897Ala (NM_001324401.3); c.1399C>G, p.Pro467Ala (NM_001324402.2); short protein forms P915A, P897A, P467A.
Identifiers: ClinVar variation 2453380 (VCV002453380.3), dbSNP rs2116984035, ClinGen allele CA368985734.